The following is an entry in ClinVar:

NM_001388492.1(HTT):c.54GCA[35] (p.Gln38_Pro39insGlnGlnGlnGlnGlnGlnGlnGlnGlnGlnGlnGlnGlnGlnGlnGln)

Genes: HTT (huntingtin; plus strand), LOC109461479 (huntingtin repeat instability region; plus strand), LOC129929027 (ATAC-STARR-seq lymphoblastoid silent region 15199; plus strand). Cytogenetic location: 4p16.3.
Variant type: Microsatellite.
Coding change: c.54GCA[35] on transcript NM_001388492.1 (MANE Select); 35 copies in a row of the 3-base unit GCA starting at c.54.
Protein change: p.Gln38_Pro39insGlnGlnGlnGlnGlnGlnGlnGlnGlnGlnGlnGlnGlnGlnGlnGln.
Genome position: GRCh38, VCF-style position (the base before the change): chr4:3,074,876. GRCh37 (hg19), VCF-style position (the base before the change): chr4:3,076,603.
Other names: c.54GCA[35], p.Gln40_Pro41insGlnGlnGlnGlnGlnGlnGlnGlnGlnGlnGlnGlnGlnGln (NM_002111.8).
Identifiers: ClinVar variation 4966109 (VCV004966109.2).
Genomic context (GRCh38, chr4:3,074,876, plus strand): 5'-GGAGACCGCCATGGCGACCCTGGAAAAGCTGATGAAGGCCTTCGAGTCCCTCAAGTCCTT[C>CCAGCAGCAGCAGCAGCAGCAGCAGCAGCAGCAGCAGCAGCAG]CAGCAGCAGCAGCAGCAGCAGCAGCAGCAGCAGCAGCAGCAGCAGCAGCAGCAGCAGCAA-3'

ClinVar aggregate classification (germline): Conflicting classifications of pathogenicity. Review status: criteria provided, conflicting classifications (1 of 4 stars). 2 submissions from 2 submitters: Uncertain significance (1); Likely benign (1). Last evaluated 2026-09-23.

Conditions:
Huntington disease (HD). Also called: Huntington's chorea; Huntington's disease; HUNTINGTON CHOREA. Identifiers: Orphanet 248111, Orphanet 399, MedGen C0020179, MONDO:0007739, OMIM 143100.

Submissions (2):

Department Of Human Genetics, Institute Of Clinical And Translational Research, Biomedical Research Center, Slovak Academy Of Sciences
Classification: Uncertain significance for Huntington disease. Last evaluated: 2026-09-23. Review status: criteria provided, single submitter. Criteria: ACMG Guidelines for Huntington disease, 2014. Collection method: research. Allele origin: germline. Inheritance: Autosomal dominant inheritance.
Comment: The NC_000004.12.g.3074878_3074940AGC[33]AAC[1]AGC[1] allele represents a complex trinucleotide repeat sequence in the HTT (huntingtin) gene. The repeat tract consists of 33 consecutive AGC repeats, followed by one AAC repeat and one additional AGC repeat. This sequence corresponds to 33 uninterrupted glutamine-encoding units or 35 interrupted glutamine-encoding repeat units (this count the AAC interruption and the additional AGC to the total number of repeats on the DNA level, while all resulting in glutamine residues at the protein level). Huntington disease (HD) is an autosomal dominant neurodegenerative disorder caused by an expansion of the CAG trinucleotide repeat in exon 1 of the HTT gene. HTT alleles containing 26 or fewer CAG repeats are considered within the normal range, whereas alleles containing 27–35 repeats are classified as intermediate/premutation, 36-39 repeats as reduced-penetrance pathogenic alleles, and 40 or more repeats as full-penetrance pathogenic alleles. Based on both the 33 uninterrupted repeats and the 35 total repeats including interruptions, this allele is classified as intermediate/premutation. At the time of submission, however, ClinVar does not support such classification. Therefore we classify the allele as VUS, since it is not connected to symptoms directly, but it is clinically relevant due to the anticipated genetic instability. The allele reached 0.33% frequency in the general population of Slovakia (in 609 genotyped alleles).

Blueprint Genetics
Classification: Likely benign. Last evaluated: 2024-10-25. Review status: criteria provided, single submitter. Criteria: ACMG Guidelines, 2015. Collection method: clinical testing. Allele origin: germline.